The following is an entry in ClinVar:

ClinVar aggregate classification (germline): Conflicting classifications of pathogenicity. Review status: criteria provided, conflicting classifications (1 of 4 stars). 4 submissions from 4 submitters: Uncertain significance (1); Likely benign (2). 1 of the submissions does not count toward it. Last evaluated 2025-12-23.

Conditions:
FAN1-related disorder. Also called: FAN1-related condition.
Karyomegalic interstitial nephritis. Identifiers: Orphanet 401996, MedGen C3553774, MONDO:0013898, OMIM 614817.

Allele frequency attached by ClinVar (database versions not stated): gnomAD 0.00137 and 0.00151; TOPMed 0.00164; ESP Exome Variant Server 0.00177; gnomAD exomes 0.00016 and 0.00040; ExAC 0.00045; 1000 Genomes Project 0.00120; 1000 Genomes Project 30x 0.00125.
gnomAD v4.1: 457 of 1,610,370 alleles (0.028%); highest among the groups gnomAD compares: African/African-American, 0.45%; 2 homozygotes.

Submissions (4):

Labcorp Genetics (formerly Invitae), Labcorp
Classification: Likely benign. Last evaluated: 2025-12-23. Review status: criteria provided, single submitter. Criteria: Invitae Variant Classification Sherloc (09022015). Collection method: clinical testing. Allele origin: germline.

GeneDx
Classification: Uncertain significance. Last evaluated: 2022-07-07. Review status: criteria provided, single submitter. Criteria: GeneDx Variant Classification Process June 2021. Collection method: clinical testing. Allele origin: germline. Affected: yes.
Comment: In silico analysis supports that this missense variant does not alter protein structure/function; Has not been previously published as pathogenic or benign to our knowledge

Fulgent Genetics
Classification: Likely benign for Karyomegalic interstitial nephritis. Last evaluated: 2022-02-14. Review status: criteria provided, single submitter. Criteria: ACMG Guidelines, 2015. Collection method: clinical testing. Allele origin: unknown.

PreventionGenetics, part of Exact Sciences
Classification: Likely benign for FAN1-related condition. Last evaluated: 2022-03-17. Review status: no assertion criteria provided. Collection method: clinical testing. Allele origin: germline. Not counted in ClinVar's aggregate classification.
Comment: This variant is classified as likely benign based on ACMG/AMP sequence variant interpretation guidelines (Richards et al. 2015 PMID: 25741868, with internal and published modifications).

NM_014967.5(FAN1):c.2071G>C (p.Glu691Gln)

Genes: FAN1 (FANCD2 and FANCI associated nuclease 1; plus strand), MTMR10 (myotubularin related protein 10; minus strand). Cytogenetic location: 15q13.3.
Variant type: single nucleotide variant.
Coding change: c.2071G>C on transcript NM_014967.5 (MANE Select); coding-DNA position 2071, G replaced by C.
Protein change: p.Glu691Gln; replaces glutamic acid 691 with glutamine.
Molecular consequence: missense variant.
Genome position (GRCh38, 1-based): chr15:30,922,253, G>C. VCF-style: chr15-30922253-G-C. GRCh37 (hg19) VCF-style: chr15-31214456-G-C.
Other names: short protein forms E691Q.
Identifiers: ClinVar variation 709277 (VCV000709277.12), dbSNP rs111476645, ClinGen allele CA7450490.